The following is an entry in ClinVar:

NM_017654.4(SAMD9):c.483T>G (p.Cys161Trp)

Gene: SAMD9 (sterile alpha motif domain containing 9; minus strand). Cytogenetic location: 7q21.2.
Variant type: single nucleotide variant.
Coding change: c.483T>G on transcript NM_017654.4 (MANE Select); coding-DNA position 483, T replaced by G.
Protein change: p.Cys161Trp; replaces cysteine 161 with tryptophan.
Molecular consequence: missense variant.
Genome position (GRCh38, 1-based): chr7:93,105,615, A>C on the plus strand (T>G on the coding strand, the complement: SAMD9 is on the minus strand). VCF-style: chr7-93105615-A-C. GRCh37 (hg19) VCF-style: chr7-92734928-A-C.
Other names: c.483T>G, p.Cys161Trp (NM_001193307.2); short protein forms C161W.
Identifiers: ClinVar variation 3792066 (VCV003792066.1).

ClinVar aggregate classification (germline): Uncertain significance (1 of 4 stars; one submission).

Conditions:
Inborn genetic diseases. Identifiers: MedGen C0950123, MeSH D030342.

Submission:

Ambry Genetics
Classification: Uncertain significance for Inborn genetic diseases. Last evaluated: 2025-02-08. Review status: criteria provided, single submitter. Criteria: Ambry Variant Classification Scheme 2023. Collection method: clinical testing. Allele origin: germline.
Comment: The p.C161W variant (also known as c.483T>G), located in coding exon 1 of the SAMD9 gene, results from a T to G substitution at nucleotide position 483. The cysteine at codon 161 is replaced by tryptophan, an amino acid with highly dissimilar properties. This amino acid position is conserved. In addition, this alteration is predicted to be tolerated by in silico analysis. Based on the available evidence, the clinical significance of this variant remains unclear.